The following is an entry in ClinVar:

NM_002335.4(LRP5):c.2951A>C (p.Tyr984Ser)

Gene: LRP5 (LDL receptor related protein 5; plus strand). Cytogenetic location: 11q13.2.
Variant type: single nucleotide variant.
Coding change: c.2951A>C on transcript NM_002335.4 (MANE Select); coding-DNA position 2951, A replaced by C.
Protein change: p.Tyr984Ser; replaces tyrosine 984 with serine.
Molecular consequence: missense variant.
Genome position (GRCh38, 1-based): chr11:68,416,451, A>C. VCF-style: chr11-68416451-A-C. GRCh37 (hg19) VCF-style: chr11-68183919-A-C.
Other names: c.1208A>C, p.Tyr403Ser (NM_001291902.2); short protein forms Y403S, Y984S.
Identifiers: ClinVar variation 4800459 (VCV004800459.1).

ClinVar aggregate classification (germline): Uncertain significance (1 of 4 stars; one submission).

Submission:

Labcorp Genetics (formerly Invitae), Labcorp
Classification: Uncertain significance. Last evaluated: 2025-07-13. Review status: criteria provided, single submitter. Criteria: Invitae Variant Classification Sherloc (09022015). Collection method: clinical testing. Allele origin: germline.
Comment: This sequence change replaces tyrosine, which is neutral and polar, with serine, which is neutral and polar, at codon 984 of the LRP5 protein (p.Tyr984Ser). This variant is not present in population databases (gnomAD no frequency). This variant has not been reported in the literature in individuals affected with LRP5-related conditions. Invitae Evidence Modeling of protein sequence and biophysical properties (such as structural, functional, and spatial information, amino acid conservation, physicochemical variation, residue mobility, and thermodynamic stability) has been performed for this missense variant. However, the output from this modeling did not meet the statistical confidence thresholds required to predict the impact of this variant on LRP5 protein function. In summary, the available evidence is currently insufficient to determine the role of this variant in disease. Therefore, it has been classified as a Variant of Uncertain Significance.